The following is an entry in ClinVar:

NM_006767.4(LZTR1):c.2001_2002del (p.Cys667_Asp668delinsTer)

Gene: LZTR1 (leucine zipper like post translational regulator 1; plus strand). Cytogenetic location: 22q11.21.
Variant type: Microsatellite.
Coding change: c.2001_2002del on transcript NM_006767.4 (MANE Select); coding-DNA positions 2001 to 2002, 2 bases deleted (TG; older notation c.2001_2002delTG).
Protein change: p.Cys667_Asp668delinsTer.
Molecular consequence: nonsense.
Genome position (GRCh38, 1-based): chr22:20,995,804-20,995,805, TG deleted; deleting any 2 consecutive bases within chr22:20,995,802-20,995,805 gives the same sequence; the c. name uses the placement nearest the transcript's 3' end. VCF-style (leftmost placement, unchanged base first): chr22-20995801-CTG-C. GRCh37 (hg19) VCF-style: chr22-21350090-CTG-C.
Identifiers: ClinVar variation 1784239 (VCV001784239.3), dbSNP rs1224744059, ClinGen allele CA638942513.
Genomic context (GRCh38, chr22:20,995,801, plus strand): 5'-CCCAGGCACATCTCTGATCCAGGACATGAAGGCATACCTGGAGGGAGCGGGCGCGGAATT[CTG>C]TGACATCACTCTGTTGCTTGACGGGCACCCACGGCCAGCCCACAAGGCTATCCTGGCCGC-3'

ClinVar aggregate classification (germline): Pathogenic. Review status: criteria provided, multiple submitters, no conflicts (2 of 4 stars). 2 submissions from 2 submitters: Pathogenic (2). Last evaluated 2022-08-19.

Conditions:
Noonan syndrome 2 (NS2). Identifiers: Orphanet 648, MedGen C1854469, MONDO:0011531, OMIM 605275.
Hereditary cancer-predisposing syndrome. Also called: Neoplastic Syndromes, Hereditary; Tumor predisposition; Hereditary Cancer Syndrome; Hereditary neoplastic syndrome. Identifiers: Orphanet 140162, MedGen C0027672, MeSH D009386, MONDO:0015356.
Cardiovascular phenotype. Identifiers: MedGen CN230736.

Submissions (2):

Department of Pathology and Laboratory Medicine, Sinai Health System
Classification: Pathogenic for Noonan syndrome 2. Last evaluated: 2022-08-19. Review status: criteria provided, single submitter. Criteria: ACMG Guidelines, 2015. Collection method: clinical testing. Allele origin: germline. Affected: yes.

Ambry Genetics
Classification: Pathogenic for Cardiovascular phenotype; Hereditary cancer-predisposing syndrome. Last evaluated: 2022-07-12. Review status: criteria provided, single submitter. Criteria: Ambry Variant Classification Scheme 2023. Collection method: clinical testing. Allele origin: germline.
Comment: The c.2001_2002delTG variant, located in coding exon 17 of the LZTR1 gene, results from a deletion of two nucleotides at nucleotide positions 2001 to 2002, causing a translational frameshift with a predicted alternate stop codon (p.C667*). This alteration is expected to result in loss of function by premature protein truncation or nonsense-mediated mRNA decay. Loss-of-function variants in LZTR1 are related to an increased risk for schwannomas and autosomal recessive Noonan syndrome; however, such associations with autosomal dominant Noonan syndrome have not been observed (Piotrowski A et al. Nat Genet. 2014 Feb;46:182-7; Yamamoto GL et al. J Med Genet. 2015 Jun;52:413-21; Johnston JJ et al. Genet Med. 2018 10;20:1175-1185). Based on the supporting evidence, this variant is pathogenic for an increased risk of LZTR1-related schwannomatosis (SWN) and would be expected to cause autosomal recessive Noonan syndrome when present along with a second pathogenic or likely pathogenic variant on the other allele; however, the association of this alteration with autosomal dominant Noonan syndrome is unlikely.